The following is an entry in ClinVar:

NM_020800.3(IFT80):c.957+1G>A

Genes: IFT80 (intraflagellar transport 80; minus strand), TRIM59-IFT80 (TRIM59-IFT80 readthrough (NMD candidate); minus strand). Cytogenetic location: 3q25.33.
Variant type: single nucleotide variant.
Coding change: c.957+1G>A on transcript NM_020800.3 (MANE Select); the canonical splice donor site of the intron after coding-DNA position 957, G replaced by A.
Molecular consequence: splice donor variant.
Genome position (GRCh38, 1-based): chr3:160,319,759, C>T on the plus strand (G>A on the coding strand, the complement: IFT80 is on the minus strand). VCF-style: chr3-160319759-C-T. GRCh37 (hg19) VCF-style: chr3-160037547-C-T.
Other names: c.546+1G>A (NM_001190241.2, NM_001190242.2).
Identifiers: ClinVar variation 2169908 (VCV002169908.4), dbSNP rs1718069979, ClinGen allele CA355195313.

ClinVar aggregate classification (germline): Likely pathogenic (1 of 4 stars; one submission).

Conditions:
Jeune thoracic dystrophy. Also called: Jeune syndrome; Infantile thoracic dystrophy; Thoracic pelvic phalangeal dystrophy; Jeune's syndrome; Chondroectodermal dysplasia-like syndrome; Short-rib thoracic dysplasia. Identifiers: Orphanet 474, MedGen C0265275, MONDO:0018770.

Allele frequency attached by ClinVar (database versions not stated): TOPMed below 0.00001; gnomAD exomes 0.00003.
gnomAD v4.1: 36 of 1,611,890 alleles (0.0022%); highest among the groups gnomAD compares: Non-Finnish European, 0.0031%; no homozygotes.

Submission:

Labcorp Genetics (formerly Invitae), Labcorp
Classification: Likely pathogenic for Jeune thoracic dystrophy. Last evaluated: 2025-07-16. Review status: criteria provided, single submitter. Criteria: Invitae Variant Classification Sherloc (09022015). Collection method: clinical testing. Allele origin: germline.
Comment: This sequence change affects a donor splice site in intron 9 of the IFT80 gene. It is expected to disrupt RNA splicing. Variants that disrupt the donor or acceptor splice site typically lead to a loss of protein function (PMID: 16199547), and loss-of-function variants in IFT80 are known to be pathogenic (PMID: 21227999, 23339108, 29068549). This variant is not present in population databases (gnomAD no frequency). This variant has not been reported in the literature in individuals affected with IFT80-related conditions. ClinVar contains an entry for this variant (Variation ID: 2169908). Algorithms developed to predict the effect of sequence changes on RNA splicing suggest that this variant may disrupt the consensus splice site. In summary, the currently available evidence indicates that the variant is pathogenic, but additional data are needed to prove that conclusively. Therefore, this variant has been classified as Likely Pathogenic.

Literature cited by the submitters: PubMed 16199547; PubMed 21227999; PubMed 23339108; PubMed 29068549.